The following is an entry in ClinVar:

NM_000138.5(FBN1):c.4027G>A (p.Ala1343Thr)

Gene: FBN1 (fibrillin 1; minus strand). Cytogenetic location: 15q21.1.
Variant type: single nucleotide variant.
Coding change: c.4027G>A on transcript NM_000138.5 (MANE Select); coding-DNA position 4027, G replaced by A.
Protein change: p.Ala1343Thr; replaces alanine 1343 with threonine.
Molecular consequence: missense variant.
Genome position (GRCh38, 1-based): chr15:48,474,588, C>T on the plus strand (G>A on the coding strand, the complement: FBN1 is on the minus strand). VCF-style: chr15-48474588-C-T. GRCh37 (hg19) VCF-style: chr15-48766785-C-T.
Other names: short protein forms A1343T.
Identifiers: ClinVar variation 1684737 (VCV001684737.3), dbSNP rs2043404775, ClinGen allele CA392320532.

ClinVar aggregate classification (germline): Uncertain significance. Review status: criteria provided, multiple submitters, no conflicts (2 of 4 stars). 2 submissions from 2 submitters: Uncertain significance (2). Last evaluated 2022-05-04.

Submissions (2):

Mendelics
Classification: Uncertain significance. Last evaluated: 2022-05-04. Review status: criteria provided, single submitter. Criteria: Mendelics Assertion Criteria 2019. Collection method: clinical testing. Allele origin: germline.

GeneDx
Classification: Uncertain significance. Last evaluated: 2022-01-03. Review status: criteria provided, single submitter. Criteria: GeneDx Variant Classification Process June 2021. Collection method: clinical testing. Allele origin: germline. Affected: yes.
Comment: Not observed at significant frequency in large population cohorts (gnomAD); Splicing analysis showed normal splicing (Wai et al., 2020), and in silico analysis supports that this missense variant does not alter protein structure/function; Although located in a calcium-binding EGF-like domain of the FBN1 gene, it does not affect a cysteine residue within this domain; cysteine substitutions in the calcium-binding EGF-like domains represent the majority of pathogenic missense changes associated with FBN1-related disorders (Collod-Beroud et al., 2003); This variant is associated with the following publications: (PMID: 12938084, 19293843, 21895641, 32123317)